The following is an entry in ClinVar:

ClinVar aggregate classification (germline): Likely pathogenic (1 of 4 stars; one submission).

Conditions:
Hydrolethalus syndrome. Identifiers: Orphanet 2189, MedGen C2931104, MONDO:0006037.

Submission:

Natera, Inc.
Classification: Likely pathogenic for Hydrolethalus syndrome. Last evaluated: 2025-04-07. Review status: criteria provided, single submitter. Criteria: Natera Variant Classification Schema (03/2026). Collection method: clinical testing. Allele origin: germline.
Comment: The c.182delinsCA variant in HYLS1 is a frameshift variant predicted to shift the reading frame beginning at codon 61 and leads to a stop codon 16 codons downstream. This variant is expected to result in nonsense mediated decay, truncation, or a dysfunctional protein product. This variant is rare in the general population with a frequency below the threshold expected for the associated phenotype(s). Given the available evidence, this variant is classified as Likely Pathogenic.

NM_001134793.2(HYLS1):c.182delinsCA (p.Arg61fs)

Genes: PUS3 (pseudouridine synthase 3; minus strand), HYLS1 (HYLS1 centriolar and ciliogenesis associated; plus strand). Cytogenetic location: 11q24.2.
Variant type: Indel.
Coding change: c.182delinsCA on transcript NM_001134793.2 (MANE Select); coding-DNA position 182, G replaced by CA.
Protein change: p.Arg61fs; shifts the reading frame from arginine 61.
Molecular consequence: frameshift variant. On other transcripts: intron variant (7).
Genome position (GRCh38, 1-based): chr11:125,899,550, G replaced by CA. VCF-style: chr11-125899550-G-CA. GRCh37 (hg19) VCF-style: chr11-125769445-G-CA.
Other names: c.182delinsCA, p.Arg61fs (NM_001377269.1, NM_001377270.1, NM_001424364.1 and 1 more transcripts); c.-247+3620delinsTG (NM_001271985.2); c.-46-3220delinsTG (NM_001441241.1, NM_001441239.1, NM_031307.4); c.-247+1129delinsTG (NM_001441238.1); c.-47+1129delinsTG (NM_001441240.1, NM_001441237.1); short protein forms R61fs.
Identifiers: ClinVar variation 4816850 (VCV004816850.1).
Genomic context (GRCh38, chr11:125,899,550, plus strand): 5'-GAGAAGCCCAATCTATCCAATATGATCCCTACAGTAAAGCTTCAGTAGCCCCAGGGAAGC[G>CA]ACCTGCTCTTCCTGTGCAACTACAGTACCCACATGTAGAAAGTAATGTCCCTTCAGAAAC-3'